The following is an entry in ClinVar:

NM_198129.4(LAMA3):c.8162T>C (p.Ile2721Thr)

Gene: LAMA3 (laminin subunit alpha 3; plus strand). Cytogenetic location: 18q11.2.
Variant type: single nucleotide variant.
Coding change: c.8162T>C on transcript NM_198129.4 (MANE Select); coding-DNA position 8162, T replaced by C.
Protein change: p.Ile2721Thr; replaces isoleucine 2721 with threonine.
Molecular consequence: missense variant.
Genome position (GRCh38, 1-based): chr18:23,921,570, T>C. VCF-style: chr18-23921570-T-C. GRCh37 (hg19) VCF-style: chr18-21501534-T-C.
Other names: c.3335T>C (NM_000227.3); c.3335T>C, p.Ile1112Thr (NM_000227.6); c.7994T>C, p.Ile2665Thr (NM_001127717.4); c.3167T>C, p.Ile1056Thr (NM_001127718.4); short protein forms I1056T, I1112T, I2665T, I2721T.
Identifiers: ClinVar variation 1696105 (VCV001696105.5), dbSNP rs144798744, ClinGen allele CA8916848.

ClinVar aggregate classification (germline): Uncertain significance. Review status: criteria provided, multiple submitters, no conflicts (2 of 4 stars). 3 submissions from 3 submitters: Uncertain significance (3). Last evaluated 2025-04-09.

Conditions:
Inborn genetic diseases. Identifiers: MedGen C0950123, MeSH D030342.

Allele frequency attached by ClinVar (database versions not stated): gnomAD 0.00005; gnomAD exomes 0.00006 and 0.00010; TOPMed 0.00008; ExAC 0.00017; ESP Exome Variant Server 0.00023.
gnomAD v4.1: 104 of 1,613,848 alleles (0.0064%); highest among the groups gnomAD compares: Admixed American, 0.0083%; no homozygotes.

Submissions (3):

GeneDx
Classification: Uncertain significance. Last evaluated: 2025-04-09. Review status: criteria provided, single submitter. Criteria: GeneDx Variant Classification Process June 2021. Collection method: clinical testing. Allele origin: germline. Affected: yes.
Comment: Has not been previously published as pathogenic or benign to our knowledge; In silico analysis indicates that this missense variant does not alter protein structure/function

Women's Health and Genetics/Laboratory Corporation of America, LabCorp
Classification: Uncertain significance. Last evaluated: 2022-05-03. Review status: criteria provided, single submitter. Criteria: LabCorp Variant Classification Summary - May 2015. Collection method: clinical testing. Allele origin: germline.

Ambry Genetics
Classification: Uncertain significance for Inborn genetic diseases. Last evaluated: 2021-06-18. Review status: criteria provided, single submitter. Criteria: Ambry Variant Classification Scheme 2023. Collection method: clinical testing. Allele origin: germline.